The following is an entry in ClinVar:

ClinVar aggregate classification (germline): Likely benign. Review status: criteria provided, single submitter (1 of 4 stars). 2 submissions from 2 submitters: Likely benign (1). 1 of the submissions does not count toward it. Last evaluated 2022-04-01.

Conditions:
DCHS2-related disorder. Also called: DCHS2-related condition.

Allele frequency attached by ClinVar (database versions not stated): gnomAD exomes 0.00037; ExAC 0.00137; 1000 Genomes Project 30x 0.00172; 1000 Genomes Project 0.00180; gnomAD 0.00222; TOPMed 0.00235.
gnomAD v4.1: 896 of 1,550,578 alleles (0.058%); highest among the groups gnomAD compares: African/African-American, 0.83%; 7 homozygotes.

Submissions (2):

CeGaT Center for Human Genetics Tuebingen
Classification: Likely benign. Last evaluated: 2022-04-01. Review status: criteria provided, single submitter. Criteria: CeGaT Center For Human Genetics Tuebingen Variant Classification Criteria Version 2. Collection method: clinical testing. Allele origin: germline. Affected: yes. Observed: 1 variant allele.
Comment: DCHS2: BP4

PreventionGenetics, part of Exact Sciences
Classification: Likely benign for DCHS2-related condition. Last evaluated: 2022-06-12. Review status: no assertion criteria provided. Collection method: clinical testing. Allele origin: germline. Not counted in ClinVar's aggregate classification.
Comment: This variant is classified as likely benign based on ACMG/AMP sequence variant interpretation guidelines (Richards et al. 2015 PMID: 25741868, with internal and published modifications).

NM_001358235.2(DCHS2):c.418A>G (p.Ser140Gly)

Gene: DCHS2 (dachsous cadherin-related 2; minus strand). Cytogenetic location: 4q31.3.
Variant type: single nucleotide variant.
Coding change: c.418A>G on transcript NM_001358235.2 (MANE Select); coding-DNA position 418, A replaced by G.
Protein change: p.Ser140Gly; replaces serine 140 with glycine.
Molecular consequence: missense variant.
Genome position (GRCh38, 1-based): chr4:154,490,938, T>C on the plus strand (A>G on the coding strand, the complement: DCHS2 is on the minus strand). VCF-style: chr4-154490938-T-C. GRCh37 (hg19) VCF-style: chr4-155412090-T-C.
Other names: c.418A>G, p.Ser140Gly (NM_001142552.2, NM_001412223.1); c.418A>G (NM_001358235.1); short protein forms S140G.
Identifiers: ClinVar variation 2655146 (VCV002655146.25), dbSNP rs189750850, ClinGen allele CA3113902.